The following is an entry in ClinVar:

ClinVar aggregate classification (germline): Uncertain significance. Review status: criteria provided, multiple submitters, no conflicts (2 of 4 stars). 2 submissions from 2 submitters: Uncertain significance (2). Last evaluated 2025-10-21.

Conditions:
Emery-Dreifuss muscular dystrophy 5, autosomal dominant (EDMD5). Also called: EMERY-DREIFUSS MUSCULAR DYSTROPHY 5. Identifiers: Orphanet 261, MedGen C2751805, MONDO:0013072, OMIM 612999.

Allele frequency attached by ClinVar (database versions not stated): TOPMed 0.00001.
gnomAD v4.1: 9 of 1,613,930 alleles (0.00056%); highest among the groups gnomAD compares: South Asian, 0.0011%; no homozygotes.

Submissions (2):

Ambry Genetics
Classification: Uncertain significance. Last evaluated: 2025-10-21. Review status: criteria provided, single submitter. Criteria: Ambry Variant Classification Scheme 2023. Collection method: clinical testing. Allele origin: germline.

Labcorp Genetics (formerly Invitae), Labcorp
Classification: Uncertain significance for Emery-Dreifuss muscular dystrophy 5, autosomal dominant. Last evaluated: 2025-07-03. Review status: criteria provided, single submitter. Criteria: Invitae Variant Classification Sherloc (09022015). Collection method: clinical testing. Allele origin: germline.
Comment: This sequence change replaces arginine, which is basic and polar, with glutamine, which is neutral and polar, at codon 3298 of the SYNE2 protein (p.Arg3298Gln). This variant is present in population databases (no rsID available, gnomAD 0.007%). This variant has not been reported in the literature in individuals affected with SYNE2-related conditions. ClinVar contains an entry for this variant (Variation ID: 470989). An algorithm developed to predict the effect of missense changes on protein structure and function outputs the following: PolyPhen-2: "Benign". The glutamine amino acid residue is found in multiple mammalian species, which suggests that this missense change does not adversely affect protein function. In summary, the available evidence is currently insufficient to determine the role of this variant in disease. Therefore, it has been classified as a Variant of Uncertain Significance.

NM_182914.3(SYNE2):c.9893G>A (p.Arg3298Gln)

Gene: SYNE2 (spectrin repeat containing nuclear envelope protein 2; plus strand). Cytogenetic location: 14q23.2.
Variant type: single nucleotide variant.
Coding change: c.9893G>A on transcript NM_182914.3 (MANE Select); coding-DNA position 9893, G replaced by A.
Protein change: p.Arg3298Gln; replaces arginine 3298 with glutamine.
Molecular consequence: missense variant.
Genome position (GRCh38, 1-based): chr14:64,056,092, G>A. VCF-style: chr14-64056092-G-A. GRCh37 (hg19) VCF-style: chr14-64522810-G-A.
Other names: c.9893G>A, p.Arg3298Gln (NM_015180.6); short protein forms R3298Q.
Identifiers: ClinVar variation 470989 (VCV000470989.9), dbSNP rs770399154, ClinGen allele CA389987433.